The following is an entry in ClinVar:

ClinVar aggregate classification (germline): Uncertain significance (1 of 4 stars; one submission).

Conditions:
CEP164-related disorder. Also called: CEP164-related condition.

gnomAD v4.1: 8 of 1,607,102 alleles (0.0005%); highest among the groups gnomAD compares: African/African-American, 0.011%; no homozygotes.

Submission:

PreventionGenetics, part of Exact Sciences
Classification: Uncertain significance for CEP164-related condition. Last evaluated: 2026-03-26. Review status: criteria provided, single submitter. Criteria: ACMG Guidelines, 2015. Collection method: clinical testing. Allele origin: germline.
Comment: The CEP164 c.1410-3C>A variant is predicted to interfere with splicing. This variant is predicted to alter splicing based on available splicing prediction programs (SpliceAI, Jaganathan et al. 2019. PubMed ID: 30661751). However, the use of computer prediction programs is not equivalent to functional evidence. To our knowledge, this variant has not been reported in the literature. This variant is reported in 0.0070% of alleles in individuals of African descent in gnomAD. At this time, the clinical significance of this variant is uncertain due to the absence of conclusive functional and genetic evidence.

NM_014956.5(CEP164):c.1410-3C>A

Gene: CEP164 (centrosomal protein 164; plus strand). Cytogenetic location: 11q23.3.
Variant type: single nucleotide variant.
Coding change: c.1410-3C>A on transcript NM_014956.5 (MANE Select); 3 bases into the intron before coding-DNA position 1410, C replaced by A.
Molecular consequence: intron variant. On other transcripts: synonymous variant (6).
Genome position (GRCh38, 1-based): chr11:117,381,698, C>A. VCF-style: chr11-117381698-C-A. GRCh37 (hg19) VCF-style: chr11-117252414-C-A.
Other names: c.1389C>A, p.Thr463= (NM_001440952.1, NM_001440968.1, NM_001440969.1 and 1 more transcripts); c.1467C>A, p.Thr489= (NM_001440956.1, NM_001440957.1); c.1419-3C>A (NM_001271933.2, NM_001440949.1, NM_001440967.1 and 1 more transcripts); c.1251-3C>A (NM_001440972.1); c.1410-3C>A (NM_001440950.1, NM_001440953.1, NM_001440962.1 and 10 more transcripts); c.1332-3C>A (NM_001440954.1, NM_001440958.1, NM_001440973.1 and 12 more transcripts); c.1281-3C>A (NM_001440960.1).
Identifiers: ClinVar variation 4983274 (VCV004983274.1).